The following is an entry in ClinVar:

ClinVar aggregate classification (germline): Likely pathogenic (1 of 4 stars; one submission).

Allele frequency attached by ClinVar (database versions not stated): gnomAD exomes below 0.00001; ExAC 0.00001; gnomAD 0.00001.
gnomAD v4.1: 2 of 1,605,420 alleles (0.00012%); highest among the groups gnomAD compares: African/African-American, 0.0013%; no homozygotes.

Submissions (2):

GeneDx
Classification: Likely pathogenic. Last evaluated: 2017-12-01. Review status: criteria provided, single submitter. Criteria: GeneDx Variant Classification (06012015). Collection method: clinical testing. Allele origin: germline. Affected: yes.
Comment: The c.1789+5G>A variant in the NGLY1 gene has not been reported previously as a pathogenic variant nor as a benign variant, to our knowledge. This variant reduces the quality of the splice donor site in intron 11, and is expected to cause abnormal gene splicing. The c.1789+5G>A variant is not observed at a significant frequency in large population cohorts (Lek et al., 2016). We interpret c.1789+5G>A as a likely pathogenic variant.

Dr. Peter K. Rogan Lab, Western University
No classification provided (evidence only). Condition: Malignant tumor of urinary bladder. Review status: no classification provided. Collection method: in vitro. Allele origin: not applicable. Functional consequence: skipped exon, retained intron. Not counted in ClinVar's aggregate classification.

NM_018297.4(NGLY1):c.1789+5G>A

Gene: NGLY1 (N-glycanase 1; minus strand). Cytogenetic location: 3p24.2.
Variant type: single nucleotide variant.
Coding change: c.1789+5G>A on transcript NM_018297.4 (MANE Select); 5 bases into the intron after coding-DNA position 1789, G replaced by A.
Molecular consequence: intron variant.
Genome position (GRCh38, 1-based): chr3:25,720,009, C>T on the plus strand (G>A on the coding strand, the complement: NGLY1 is on the minus strand). VCF-style: chr3-25720009-C-T. GRCh37 (hg19) VCF-style: chr3-25761500-C-T.
Other names: NC_000003.11:g.25761500C>T; c.1663+5G>A (NM_001145294.2); c.1612-374G>A (NM_001145295.2); c.1735+5G>A (NM_001145293.2).
Identifiers: ClinVar variation 489203 (VCV000489203.3), dbSNP rs772184143, ClinGen allele CA2289075.